The following is an entry in ClinVar:

ClinVar aggregate classification (germline): Likely benign (0 of 4 stars; one submission).

Conditions:
SRRM2-related disorder. Also called: SRRM2-related condition.

Allele frequency attached by ClinVar (database versions not stated): ExAC 0.00046; 1000 Genomes Project 0.00100; gnomAD 0.00101; 1000 Genomes Project 30x 0.00109; ESP Exome Variant Server 0.00115; TOPMed 0.00115.
gnomAD v4.1: 395 of 1,614,180 alleles (0.024%); highest among the groups gnomAD compares: African/African-American, 0.32%; 1 homozygote.

Submission:

PreventionGenetics, part of Exact Sciences
Classification: Likely benign for SRRM2-related condition. Last evaluated: 2022-02-18. Review status: no assertion criteria provided. Collection method: clinical testing. Allele origin: germline.
Comment: This variant is classified as likely benign based on ACMG/AMP sequence variant interpretation guidelines (Richards et al. 2015 PMID: 25741868, with internal and published modifications).

NM_016333.4(SRRM2):c.6154C>T (p.Arg2052Cys)

Gene: SRRM2 (serine/arginine repetitive matrix 2; plus strand). Cytogenetic location: 16p13.3.
Variant type: single nucleotide variant.
Coding change: c.6154C>T on transcript NM_016333.4 (MANE Select); coding-DNA position 6154, C replaced by T.
Protein change: p.Arg2052Cys; replaces arginine 2052 with cysteine.
Molecular consequence: missense variant.
Genome position (GRCh38, 1-based): chr16:2,766,682, C>T. VCF-style: chr16-2766682-C-T. GRCh37 (hg19) VCF-style: chr16-2816683-C-T.
Other names: short protein forms R2052C.
Identifiers: ClinVar variation 3050263 (VCV003050263.2), dbSNP rs148774293, ClinGen allele CA7848735.